The following is an entry in ClinVar:

NM_000268.4(NF2):c.175A>G (p.Thr59Ala)

Gene: NF2 (NF2, moesin-ezrin-radixin like (MERLIN) tumor suppressor; plus strand). Cytogenetic location: 22q12.2.
Variant type: single nucleotide variant.
Coding change: c.175A>G on transcript NM_000268.4 (MANE Select); coding-DNA position 175, A replaced by G.
Protein change: p.Thr59Ala; replaces threonine 59 with alanine.
Molecular consequence: missense variant. On other transcripts: 5 prime UTR variant (2), intron variant (6).
Genome position (GRCh38, 1-based): chr22:29,636,811, A>G. VCF-style: chr22-29636811-A-G. GRCh37 (hg19) VCF-style: chr22-30032800-A-G.
Other names: c.61A>G, p.Thr21Ala (NM_001407053.1, NM_001407056.1); c.175A>G, p.Thr59Ala (NM_001407054.1, NM_001407057.1, NM_001407058.1 and 9 more transcripts); c.-466A>G (NM_001407065.1); c.-82A>G (NM_001407067.1); c.115-2279A>G (NM_181828.3, NM_001407055.1); c.115-5391A>G (NM_001407063.1, NM_181830.3, NM_001407064.1 and 1 more transcripts); short protein forms T21A, T59A.
Identifiers: ClinVar variation 4661080 (VCV004661080.1).

ClinVar aggregate classification (germline): Uncertain significance (1 of 4 stars; one submission).

Conditions:
Hereditary cancer-predisposing syndrome. Also called: Neoplastic Syndromes, Hereditary; Tumor predisposition; Hereditary Cancer Syndrome; Hereditary neoplastic syndrome. Identifiers: Orphanet 140162, MedGen C0027672, MeSH D009386, MONDO:0015356.

Submission:

Ambry Genetics
Classification: Uncertain significance for Hereditary cancer-predisposing syndrome. Last evaluated: 2025-10-16. Review status: criteria provided, single submitter. Criteria: Ambry Variant Classification Scheme 2023. Collection method: clinical testing. Allele origin: germline.
Comment: The p.T59A variant (also known as c.175A>G), located in coding exon 2 of the NF2 gene, results from an A to G substitution at nucleotide position 175. The threonine at codon 59 is replaced by alanine, an amino acid with similar properties. This amino acid position is conserved. In addition, the in silico prediction for this alteration is inconclusive. Based on the available evidence, the clinical significance of this variant remains unclear.